The following is an entry in ClinVar:

NM_022482.5(GZF1):c.1813T>C (p.Ser605Pro)

Gene: GZF1 (GDNF inducible zinc finger protein 1; plus strand). Cytogenetic location: 20p11.21.
Variant type: single nucleotide variant.
Coding change: c.1813T>C on transcript NM_022482.5 (MANE Select); coding-DNA position 1813, T replaced by C.
Protein change: p.Ser605Pro; replaces serine 605 with proline.
Molecular consequence: missense variant. On other transcripts: intron variant (1).
Genome position (GRCh38, 1-based): chr20:23,370,118, T>C. VCF-style: chr20-23370118-T-C. GRCh37 (hg19) VCF-style: chr20-23350755-T-C.
Other names: c.1813T>C, p.Ser605Pro (NM_001317012.2); c.1786-19T>C (NM_001317019.1); short protein forms S605P.
Identifiers: ClinVar variation 2130800 (VCV002130800.4), dbSNP rs1002080294, ClinGen allele CA313546856.

ClinVar aggregate classification (germline): Uncertain significance (1 of 4 stars; one submission).

Allele frequency attached by ClinVar (database versions not stated): gnomAD exomes below 0.00001; TOPMed 0.00001.
gnomAD v4.1: 1 of 1,614,102 alleles (0.000062%); highest among the groups gnomAD compares: African/African-American, 0.0013%; no homozygotes.

Submission:

Labcorp Genetics (formerly Invitae), Labcorp
Classification: Uncertain significance. Last evaluated: 2022-06-09. Review status: criteria provided, single submitter. Criteria: Invitae Variant Classification Sherloc (09022015). Collection method: clinical testing. Allele origin: germline.
Comment: In summary, the available evidence is currently insufficient to determine the role of this variant in disease. Therefore, it has been classified as a Variant of Uncertain Significance. Algorithms developed to predict the effect of missense changes on protein structure and function are either unavailable or do not agree on the potential impact of this missense change (SIFT: "Not Available"; PolyPhen-2: "Probably Damaging"; Align-GVGD: "Not Available"). This variant has not been reported in the literature in individuals affected with GZF1-related conditions. This variant is not present in population databases (gnomAD no frequency). This sequence change replaces serine, which is neutral and polar, with proline, which is neutral and non-polar, at codon 605 of the GZF1 protein (p.Ser605Pro).